The following is an entry in ClinVar:

ClinVar aggregate classification (germline): Benign (1 of 4 stars; one submission).

Conditions:
Leigh syndrome (NULS). Also called: Leigh's necrotizing encephalopathy; Leigh's disease; Leigh's syndrome; LEIGH SYNDROME, NUCLEAR; Leigh Syndrome (mtDNA deletion); Leigh Disease. Identifiers: Orphanet 506, MedGen C2931891, MONDO:0009723, OMIM 256000.

Submission:

Wong Mito Lab, Molecular and Human Genetics, Baylor College of Medicine
Classification: Benign for Leigh syndrome. Last evaluated: 2019-10-17. Review status: criteria provided, single submitter. Criteria: Modified ACMG Guidelines (Unpublished). Collection method: clinical testing. Allele origin: germline.
Comment: The NC_012920.1:m.14577T>C (YP_003024037.1:p.Ile33Val) variant in MTND6 gene is interpretated to be a Benign variant based on the modified ACMG guidelines (unpublished). This variant meets the following evidence codes: BA1

NC_012920.1(MT-ND6):m.14577T>C

Gene: MT-ND6 (mitochondrially encoded NADH dehydrogenase 6; minus strand).
Variant type: single nucleotide variant.
Genome position: chrM-14577-T-C.
Identifiers: ClinVar variation 693743 (VCV000693743.1), dbSNP rs386829219, ClinGen allele CA337100102.
Genomic context (GRCh38, chrMT:14,577, plus strand): 5'-AACCCATATAACCTCCCCCAAAATTCAGAATAATAACACACCCGACCACACCGCTAACAA[T>C]CAATACTAAACCCCCATAAATAGGAGAAGGCTTAGAAGAAAACCCCACAAACCCCATTAC-3'